The following is an entry in ClinVar:

NM_001458.5(FLNC):c.5560G>C (p.Val1854Leu)

Genes: FLNC-AS1 (FLNC antisense RNA 1; minus strand), FLNC (filamin C; plus strand). Cytogenetic location: 7q32.1.
Variant type: single nucleotide variant.
Coding change: c.5560G>C on transcript NM_001458.5 (MANE Select); coding-DNA position 5560, G replaced by C.
Protein change: p.Val1854Leu; replaces valine 1854 with leucine.
Molecular consequence: missense variant.
Genome position (GRCh38, 1-based): chr7:128,851,252, G>C. VCF-style: chr7-128851252-G-C. GRCh37 (hg19) VCF-style: chr7-128491306-G-C.
Other names: c.5461G>C, p.Val1821Leu (NM_001127487.2); short protein forms V1854L, V1821L.
Identifiers: ClinVar variation 2054982 (VCV002054982.4), dbSNP rs2536655665, ClinGen allele CA369207257.

ClinVar aggregate classification (germline): Uncertain significance (1 of 4 stars; one submission).

Conditions:
Myofibrillar myopathy 5. Also called: Filaminopathy (type); FILAMINOPATHY, AUTOSOMAL DOMINANT. Identifiers: Orphanet 171445, MedGen C1836050, MONDO:0012289, OMIM 609524.
Hypertrophic cardiomyopathy 26. Also called: Cardiomyopathy, familial hypertrophic, 26. Identifiers: Orphanet 75249, MedGen C4310749, MONDO:0014883, OMIM 617047.
Distal myopathy with posterior leg and anterior hand involvement. Also called: WILLIAMS DISTAL MYOPATHY. Identifiers: Orphanet 63273, MedGen C3279722, MONDO:0013550, OMIM 614065.

Submission:

Labcorp Genetics (formerly Invitae), Labcorp
Classification: Uncertain significance for Distal myopathy with posterior leg and anterior hand involvement; Myofibrillar myopathy 5; Hypertrophic cardiomyopathy 26. Last evaluated: 2025-03-03. Review status: criteria provided, single submitter. Criteria: Invitae Variant Classification Sherloc (09022015). Collection method: clinical testing. Allele origin: germline.
Comment: This sequence change replaces valine, which is neutral and non-polar, with leucine, which is neutral and non-polar, at codon 1854 of the FLNC protein (p.Val1854Leu). This variant is not present in population databases (gnomAD no frequency). This variant has not been reported in the literature in individuals affected with FLNC-related conditions. ClinVar contains an entry for this variant (Variation ID: 2054982). Invitae Evidence Modeling of protein sequence and biophysical properties (such as structural, functional, and spatial information, amino acid conservation, physicochemical variation, residue mobility, and thermodynamic stability) has been performed for this missense variant. However, the output from this modeling did not meet the statistical confidence thresholds required to predict the impact of this variant on FLNC protein function. In summary, the available evidence is currently insufficient to determine the role of this variant in disease. Therefore, it has been classified as a Variant of Uncertain Significance.